The following is an entry in ClinVar:

NM_000069.3(CACNA1S):c.1526T>C (p.Leu509Pro)

Gene: CACNA1S (calcium voltage-gated channel subunit alpha1 S; minus strand). Cytogenetic location: 1q32.1.
Variant type: single nucleotide variant.
Coding change: c.1526T>C on transcript NM_000069.3 (MANE Select); coding-DNA position 1526, T replaced by C.
Protein change: p.Leu509Pro; replaces leucine 509 with proline.
Molecular consequence: missense variant.
Genome position (GRCh38, 1-based): chr1:201,077,972, A>G on the plus strand (T>C on the coding strand, the complement: CACNA1S is on the minus strand). VCF-style: chr1-201077972-A-G. GRCh37 (hg19) VCF-style: chr1-201047100-A-G.
Other names: short protein forms L509P.
Identifiers: ClinVar variation 1163183 (VCV001163183.10), dbSNP rs369852385, ClinGen allele CA078357.

ClinVar aggregate classification (germline): Uncertain significance. Review status: criteria provided, multiple submitters, no conflicts (2 of 4 stars). 5 submissions from 5 submitters: Uncertain significance (5). Last evaluated 2025-12-19.

Conditions:
Hypokalemic periodic paralysis, type 1. Also called: Hypokalemic Periodic Paralysis Type 1 (AD); HypoPP. Identifiers: Orphanet 681, MedGen C3714580, MONDO:0042979, OMIM 170400.
Malignant hyperthermia, susceptibility to, 5 (MHS5). Also called: CACNA1S-Related Malignant Hyperthermia Susceptibility. Identifiers: Orphanet 423, MedGen C1866077, MONDO:0011163, OMIM 601887.
Thyrotoxic periodic paralysis, susceptibility to, 1 (TTPP1). Identifiers: Orphanet 79102, MedGen C2749982, MONDO:0008570, OMIM 188580.
Congenital myopathy 18. Also called: DIHYDROPYRIDINE RECEPTOR CONGENITAL MYOPATHY; DHPR CONGENITAL MYOPATHY; Myopathy, congenital, due to dihydropyridine receptor defect. Identifiers: MedGen C5830283, MONDO:0859514, OMIM 620246.

Allele frequency attached by ClinVar (database versions not stated): TOPMed below 0.00001; gnomAD 0.00001; gnomAD exomes 0.00001 and 0.00003; ExAC 0.00005; ESP Exome Variant Server 0.00008.
gnomAD v4.1: 12 of 1,614,060 alleles (0.00074%); highest among the groups gnomAD compares: Non-Finnish European, 0.001%; no homozygotes.

Submissions (5):

Labcorp Genetics (formerly Invitae), Labcorp
Classification: Uncertain significance for Hypokalemic periodic paralysis, type 1; Malignant hyperthermia, susceptibility to, 5. Last evaluated: 2025-12-19. Review status: criteria provided, single submitter. Criteria: Invitae Variant Classification Sherloc (09022015). Collection method: clinical testing. Allele origin: germline.
Comment: This sequence change replaces leucine, which is neutral and non-polar, with proline, which is neutral and non-polar, at codon 509 of the CACNA1S protein (p.Leu509Pro). This variant is present in population databases (rs369852385, gnomAD 0.006%). This variant has not been reported in the literature in individuals affected with CACNA1S-related conditions. ClinVar contains an entry for this variant (Variation ID: 1163183). Invitae Evidence Modeling of protein sequence and biophysical properties (such as structural, functional, and spatial information, amino acid conservation, physicochemical variation, residue mobility, and thermodynamic stability) has been performed for this missense variant. However, the output from this modeling did not meet the statistical confidence thresholds required to predict the impact of this variant on CACNA1S protein function. In summary, the available evidence is currently insufficient to determine the role of this variant in disease. Therefore, it has been classified as a Variant of Uncertain Significance.

Color Diagnostics, LLC DBA Color Health
Classification: Uncertain significance for Malignant hyperthermia, susceptibility to, 5. Last evaluated: 2025-05-31. Review status: criteria provided, single submitter. Criteria: ACMG Guidelines, 2015. Collection method: clinical testing. Allele origin: germline.
Comment: This missense variant replaces leucine with proline at codon 509 of the CACNA1S protein. Computational prediction suggests that this variant may have deleterious impact on protein structure and function. To our knowledge, functional studies have not been reported for this variant. This variant has not been reported in individuals affected with CACNA1S-related disorders in the literature. This variant has been identified in 7/251480 chromosomes in the general population by the Genome Aggregation Database (gnomAD). The available evidence is insufficient to determine the role of this variant in disease conclusively. Therefore, this variant is classified as a Variant of Uncertain Significance.

Fulgent Genetics
Classification: Uncertain significance for Hypokalemic periodic paralysis, type 1; Thyrotoxic periodic paralysis, susceptibility to, 1; Malignant hyperthermia, susceptibility to, 5; Congenital myopathy 18. Last evaluated: 2024-05-29. Review status: criteria provided, single submitter. Criteria: ACMG Guidelines, 2015. Collection method: clinical testing. Allele origin: germline.

Revvity Omics, Revvity
Classification: Uncertain significance. Last evaluated: 2024-02-29. Review status: criteria provided, single submitter. Criteria: ACMG Guidelines, 2015. Collection method: clinical testing. Allele origin: germline.

Mayo Clinic Laboratories, Mayo Clinic
Classification: Uncertain significance. Last evaluated: 2020-06-04. Review status: criteria provided, single submitter. Criteria: ACMG Guidelines, 2015. Collection method: clinical testing. Allele origin: germline. Observed: 1 variant allele.